The following is an entry in ClinVar:

ClinVar aggregate classification (germline): Likely benign. Review status: criteria provided, multiple submitters, no conflicts (2 of 4 stars). 3 submissions from 3 submitters: Likely benign (3). Last evaluated 2025-09-08.

Conditions:
PRDM13-related disorder. Also called: PRDM13-related condition.

Allele frequency attached by ClinVar (database versions not stated): gnomAD exomes 0.00014 and 0.00044; 1000 Genomes Project 30x 0.00016; gnomAD 0.00017 and 0.00018; TOPMed 0.00032; ExAC 0.00067.
gnomAD v4.1: 99 of 1,536,980 alleles (0.0064%); highest among the groups gnomAD compares: Admixed American, 0.19%; no homozygotes.

Submissions (3):

Labcorp Genetics (formerly Invitae), Labcorp
Classification: Likely benign. Last evaluated: 2025-09-08. Review status: criteria provided, single submitter. Criteria: Invitae Variant Classification Sherloc (09022015). Collection method: clinical testing. Allele origin: germline.

PreventionGenetics, part of Exact Sciences
Classification: Likely benign for PRDM13-related condition. Last evaluated: 2025-03-18. Review status: criteria provided, single submitter. Criteria: ACMG Guidelines, 2015. Collection method: clinical testing. Allele origin: germline.
Comment: This variant is classified as likely benign based on ACMG/AMP sequence variant interpretation guidelines (Richards et al. 2015 PMID: 25741868, with internal and published modifications).

Blueprint Genetics
Classification: Likely benign. Last evaluated: 2023-07-28. Review status: criteria provided, single submitter. Criteria: ACMG Guidelines, 2015. Collection method: clinical testing. Allele origin: germline.

NM_021620.4(PRDM13):c.823G>C (p.Val275Leu)

Gene: PRDM13 (PR/SET domain 13; plus strand). Cytogenetic location: 6q16.2.
Variant type: single nucleotide variant.
Coding change: c.823G>C on transcript NM_021620.4 (MANE Select); coding-DNA position 823, G replaced by C.
Protein change: p.Val275Leu; replaces valine 275 with leucine.
Molecular consequence: missense variant.
Genome position (GRCh38, 1-based): chr6:99,613,458, G>C. VCF-style: chr6-99613458-G-C. GRCh37 (hg19) VCF-style: chr6-100061334-G-C.
Other names: c.823G>C (NM_021620.3); short protein forms V275L.
Identifiers: ClinVar variation 1097671 (VCV001097671.11), dbSNP rs758113976, ClinGen allele CA3936283.